The following is an entry in ClinVar:

ClinVar aggregate classification (germline): Likely benign (1 of 4 stars; one submission).

Allele frequency attached by ClinVar (database versions not stated): gnomAD exomes 0.00081; 1000 Genomes Project 0.00579; 1000 Genomes Project 30x 0.00656; gnomAD 0.00662 and 0.00717; TOPMed 0.00793.

Submission:

GeneDx
Classification: Likely benign. Last evaluated: 2018-06-14. Review status: criteria provided, single submitter. Criteria: GeneDx Variant Classification (06012015). Collection method: clinical testing. Allele origin: germline. Affected: yes.
Comment: This variant is considered likely benign or benign based on one or more of the following criteria: it is a conservative change, it occurs at a poorly conserved position in the protein, it is predicted to be benign by multiple in silico algorithms, and/or has population frequency not consistent with disease.

NM_016156.6(MTMR2):c.262+198del

Gene: MTMR2 (myotubularin related protein 2; minus strand). Cytogenetic location: 11q21.
Variant type: Deletion.
Coding change: c.262+198del on transcript NM_016156.6 (MANE Select); 198 bases into the intron after coding-DNA position 262, one base deleted (C; older notation c.262+198delC).
Molecular consequence: intron variant.
Genome position (GRCh38, 1-based): chr11:95,865,403, G deleted on the plus strand (C on the coding strand, the reverse complement: MTMR2 is on the minus strand). VCF-style (leftmost placement, unchanged base first): chr11-95865402-AG-A. GRCh37 (hg19) VCF-style: chr11-95598566-AG-A.
Other names: c.46+198del (NM_201281.3, NM_201278.3, NM_001243571.2); c.262+198delC (NM_016156.5).
Identifiers: ClinVar variation 679610 (VCV000679610.1), dbSNP rs59229676, ClinGen allele CA226614590.